The following is an entry in ClinVar:

ClinVar aggregate classification (germline): Conflicting classifications of pathogenicity. Review status: criteria provided, conflicting classifications (1 of 4 stars). 2 submissions from 2 submitters: Uncertain significance (1); Likely benign (1). Last evaluated 2024-10-24.

Conditions:
Duchenne muscular dystrophy (DMD). Also called: MUSCULAR DYSTROPHY, PSEUDOHYPERTROPHIC PROGRESSIVE, DUCHENNE TYPE; Duchenne Muscular Dystrophy (DMD). Identifiers: Orphanet 98896, MedGen C0013264, MONDO:0010679, OMIM 310200.
Cardiovascular phenotype. Identifiers: MedGen CN230736.

Allele frequency attached by ClinVar (database versions not stated): gnomAD 0.00001; 1000 Genomes Project 30x 0.00042.
gnomAD v4.1: 6 of 1,209,463 alleles (0.0005%); highest among the groups gnomAD compares: South Asian, 0.0053%; no homozygotes.

Submissions (2):

Labcorp Genetics (formerly Invitae), Labcorp
Classification: Likely benign for Duchenne muscular dystrophy. Last evaluated: 2024-10-24. Review status: criteria provided, single submitter. Criteria: Invitae Variant Classification Sherloc (09022015). Collection method: clinical testing. Allele origin: germline.

Ambry Genetics
Classification: Uncertain significance for Cardiovascular phenotype. Last evaluated: 2018-10-02. Review status: criteria provided, single submitter. Criteria: Ambry Variant Classification Scheme 2023. Collection method: clinical testing. Allele origin: germline.
Comment: The p.T858I variant (also known as c.2573C>T), located in coding exon 20 of the DMD gene, results from a C to T substitution at nucleotide position 2573. The threonine at codon 858 is replaced by isoleucine, an amino acid with similar properties. This amino acid position is well conserved in available vertebrate species; however, isoleucine is the reference amino acid in other vertebrate species. In addition, this alteration is predicted to be tolerated by in silico analysis. Since supporting evidence is limited at this time, the clinical significance of this alteration remains unclear.

NM_004006.3(DMD):c.2573C>T (p.Thr858Ile)

Gene: DMD (dystrophin; minus strand). Cytogenetic location: Xp21.1.
Variant type: single nucleotide variant.
Coding change: c.2573C>T on transcript NM_004006.3 (MANE Select); coding-DNA position 2573, C replaced by T.
Protein change: p.Thr858Ile; replaces threonine 858 with isoleucine.
Molecular consequence: missense variant.
Genome position (GRCh38, 1-based): chrX:32,491,326, G>A on the plus strand (C>T on the coding strand, the complement: DMD is on the minus strand). VCF-style: chrX-32491326-G-A. GRCh37 (hg19) VCF-style: chrX-32509443-G-A.
Other names: c.2549C>T, p.Thr850Ile (NM_000109.4); c.2561C>T, p.Thr854Ile (NM_004009.3); c.2204C>T, p.Thr735Ile (NM_004010.3); short protein forms T850I, T854I, T735I, T858I.
Identifiers: ClinVar variation 1793275 (VCV001793275.5), dbSNP rs398123896, ClinGen allele CA328019846.